The following is an entry in ClinVar:

NM_014043.4(CHMP2B):c.556C>T (p.Arg186Ter)

Gene: CHMP2B (charged multivesicular body protein 2B; plus strand). Cytogenetic location: 3p11.2.
Variant type: single nucleotide variant.
Coding change: c.556C>T on transcript NM_014043.4 (MANE Select); coding-DNA position 556, C replaced by T.
Protein change: p.Arg186Ter; replaces arginine 186 with a stop codon.
Molecular consequence: nonsense.
Genome position (GRCh38, 1-based): chr3:87,253,736, C>T. VCF-style: chr3-87253736-C-T. GRCh37 (hg19) VCF-style: chr3-87302886-C-T.
Other names: c.433C>T, p.Arg145Ter (NM_001244644.2); short protein forms R186*, R145*.
Identifiers: ClinVar variation 21506 (VCV000021506.5), dbSNP rs63751048, ClinGen allele CA224978.

ClinVar aggregate classification (germline): Likely benign. Review status: no assertion criteria provided (0 of 4 stars). 3 submissions from 3 submitters: Likely benign (1). 2 of the submissions do not count toward it. Last evaluated 2023-06-07.

Conditions:
CHMP2B-related disorder. Also called: CHMP2B-related condition.
Frontotemporal dementia and/or amyotrophic lateral sclerosis 7 (FTDALS7). Also called: AMYOTROPHIC LATERAL SCLEROSIS, CHMP2B-RELATED; CHMP2B-Related Frontotemporal Dementia-Amyotrophic Lateral Sclerosis; Amyotrophic lateral sclerosis 17; CHMP2B-related frontotemporal dementia. Identifiers: Orphanet 275864, Orphanet 282, Orphanet 803, MedGen C1833296, MONDO:0010936, OMIM 600795.

Allele frequency attached by ClinVar (database versions not stated): gnomAD exomes below 0.00001 and 0.00001; TOPMed below 0.00001; ExAC 0.00001; gnomAD 0.00001.
gnomAD v4.1: 5 of 1,612,202 alleles (0.00031%); highest among the groups gnomAD compares: South Asian, 0.0011%; no homozygotes.

Submissions (3):

PreventionGenetics, part of Exact Sciences
Classification: Likely benign for CHMP2B-related condition. Last evaluated: 2023-06-07. Review status: no assertion criteria provided. Collection method: clinical testing. Allele origin: germline.
Comment: This variant is classified as likely benign based on ACMG/AMP sequence variant interpretation guidelines (Richards et al. 2015 PMID: 25741868, with internal and published modifications).

GeneReviews
No classification provided. Condition: Frontotemporal dementia and/or amyotrophic lateral sclerosis 7. Review status: no classification provided. Collection method: literature only. Allele origin: unknown. Not counted in ClinVar's aggregate classification.

VIB  Department of Molecular Genetics, University of Antwerp
No classification provided. Review status: no classification provided. Collection method: not provided. Allele origin: unknown. Not counted in ClinVar's aggregate classification.

Literature cited by the submitters: PubMed 16954699 (cited by GeneReviews); PubMed 20301378 (cited by GeneReviews); NCBI Bookshelf NBK1199 (cited by GeneReviews).